The following is an entry in ClinVar:

NM_019032.6(ADAMTSL4):c.2402G>A (p.Arg801Gln)

Gene: ADAMTSL4 (ADAMTS like 4; plus strand). Cytogenetic location: 1q21.2.
Variant type: single nucleotide variant.
Coding change: c.2402G>A on transcript NM_019032.6 (MANE Select); coding-DNA position 2402, G replaced by A.
Protein change: p.Arg801Gln; replaces arginine 801 with glutamine.
Molecular consequence: missense variant.
Genome position (GRCh38, 1-based): chr1:150,558,492, G>A. VCF-style: chr1-150558492-G-A. GRCh37 (hg19) VCF-style: chr1-150530968-G-A.
Other names: c.2285G>A, p.Arg762Gln (NM_001288607.2); c.2471G>A, p.Arg824Gln (NM_001288608.2); c.2402G>A, p.Arg801Gln (NM_001378596.1, NM_025008.5); short protein forms R824Q, R801Q, R762Q.
Identifiers: ClinVar variation 1433943 (VCV001433943.3), dbSNP rs779947320, ClinGen allele CA1078668.

ClinVar aggregate classification (germline): Uncertain significance (1 of 4 stars; one submission).

Allele frequency attached by ClinVar (database versions not stated): TOPMed 0.00002; ExAC 0.00003; gnomAD 0.00004; gnomAD exomes 0.00004.
gnomAD v4.1: 67 of 1,613,574 alleles (0.0042%); highest among the groups gnomAD compares: Middle Eastern, 0.016%; no homozygotes.

Submission:

Labcorp Genetics (formerly Invitae), Labcorp
Classification: Uncertain significance. Last evaluated: 2022-08-31. Review status: criteria provided, single submitter. Criteria: Invitae Variant Classification Sherloc (09022015). Collection method: clinical testing. Allele origin: germline.
Comment: This sequence change replaces arginine, which is basic and polar, with glutamine, which is neutral and polar, at codon 801 of the ADAMTSL4 protein (p.Arg801Gln). This variant is present in population databases (rs779947320, gnomAD 0.01%). This variant has not been reported in the literature in individuals affected with ADAMTSL4-related conditions. ClinVar contains an entry for this variant (Variation ID: 1433943). Algorithms developed to predict the effect of missense changes on protein structure and function (SIFT, PolyPhen-2, Align-GVGD) all suggest that this variant is likely to be disruptive. Algorithms developed to predict the effect of sequence changes on RNA splicing suggest that this variant may create or strengthen a splice site. In summary, the available evidence is currently insufficient to determine the role of this variant in disease. Therefore, it has been classified as a Variant of Uncertain Significance.